The following is an entry in ClinVar:

NM_001482.3(GATM):c.1037C>A (p.Pro346Gln)

Gene: GATM (glycine amidinotransferase; minus strand). Cytogenetic location: 15q21.1.
Variant type: single nucleotide variant.
Coding change: c.1037C>A on transcript NM_001482.3 (MANE Select); coding-DNA position 1037, C replaced by A.
Protein change: p.Pro346Gln; replaces proline 346 with glutamine.
Molecular consequence: missense variant.
Genome position (GRCh38, 1-based): chr15:45,364,802, G>T on the plus strand (C>A on the coding strand, the complement: GATM is on the minus strand). VCF-style: chr15-45364802-G-T. GRCh37 (hg19) VCF-style: chr15-45657000-G-T.
Other names: c.650C>A, p.Pro217Gln (NM_001321015.2); short protein forms P217Q, P346Q.
Identifiers: ClinVar variation 2007271 (VCV002007271.4), dbSNP rs142814307, ClinGen allele CA392256359.
Genomic context (GRCh38, chr15:45,364,802, plus strand): 5'-TCCTTGGTCACTAAAGTAATTATTTTAGTCTAACAGTGTATGAAAGTAAACATACCGTCT[G>T]GGATGATTGGTGTTGGAGGAGTAATGATAGTCCATCCTGCTTTCTTGAAAAGATCAATCT-3'
Protein context (NP_001473.1, residues 336-356): TIITPPTPII[Pro346Gln]DDHPLWMSSK

ClinVar aggregate classification (germline): Uncertain significance (1 of 4 stars; one submission).

Conditions:
Arginine:glycine amidinotransferase deficiency (CCDS3). Also called: Creatine deficiency syndrome due to AGAT deficiency; GATM deficiency; Cerebral creatine deficiency syndrome 3; AGAT deficiency; L-Arginine:Glycine Amidinotransferase (AGAT) Deficiency; L-Arginine:Glycine Amidinotransferase Deficiency. Identifiers: Orphanet 35704, MedGen C2675179, MONDO:0012996, OMIM 612718.

Submission:

Labcorp Genetics (formerly Invitae), Labcorp
Classification: Uncertain significance for Arginine:glycine amidinotransferase deficiency. Last evaluated: 2022-06-15. Review status: criteria provided, single submitter. Criteria: Invitae Variant Classification Sherloc (09022015). Collection method: clinical testing. Allele origin: germline.
Comment: This variant has not been reported in the literature in individuals affected with GATM-related conditions. This variant is not present in population databases (gnomAD no frequency). This sequence change replaces proline, which is neutral and non-polar, with glutamine, which is neutral and polar, at codon 346 of the GATM protein (p.Pro346Gln). Algorithms developed to predict the effect of missense changes on protein structure and function are either unavailable or do not agree on the potential impact of this missense change (SIFT: "Deleterious"; PolyPhen-2: "Possibly Damaging"; Align-GVGD: "Class C0"). In summary, the available evidence is currently insufficient to determine the role of this variant in disease. Therefore, it has been classified as a Variant of Uncertain Significance.